The following is an entry in ClinVar:

ClinVar aggregate classification (germline): Likely benign. Review status: criteria provided, multiple submitters, no conflicts (2 of 4 stars). 2 submissions from 2 submitters: Likely benign (2). Last evaluated 2025-12-08.

Conditions:
Combined oxidative phosphorylation defect type 17. Also called: Combined oxidative phosphorylation deficiency 17. Identifiers: Orphanet 369913, MedGen C3809526, MONDO:0014190, OMIM 615440.

Allele frequency attached by ClinVar (database versions not stated): ExAC 0.00002; gnomAD exomes 0.00003; TOPMed 0.00005; 1000 Genomes Project 0.00040; 1000 Genomes Project 30x 0.00047.
gnomAD v4.1: 20 of 1,614,090 alleles (0.0012%); highest among the groups gnomAD compares: East Asian, 0.0067%; no homozygotes.

Submissions (2):

Labcorp Genetics (formerly Invitae), Labcorp
Classification: Likely benign for Combined oxidative phosphorylation defect type 17. Last evaluated: 2025-12-08. Review status: criteria provided, single submitter. Criteria: Invitae Variant Classification Sherloc (09022015). Collection method: clinical testing. Allele origin: germline.

GeneDx
Classification: Likely benign. Last evaluated: 2017-12-11. Review status: criteria provided, single submitter. Criteria: GeneDx Variant Classification (06012015). Collection method: clinical testing. Allele origin: germline. Affected: yes.
Comment: This variant is considered likely benign or benign based on one or more of the following criteria: it is a conservative change, it occurs at a poorly conserved position in the protein, it is predicted to be benign by multiple in silico algorithms, and/or has population frequency not consistent with disease.

NM_018127.7(ELAC2):c.2108+13G>A

Gene: ELAC2 (elaC ribonuclease Z 2; minus strand). Cytogenetic location: 17p12.
Variant type: single nucleotide variant.
Coding change: c.2108+13G>A on transcript NM_018127.7 (MANE Select); 13 bases into the intron after coding-DNA position 2108, G replaced by A.
Molecular consequence: intron variant.
Genome position (GRCh38, 1-based): chr17:12,994,412, C>T on the plus strand (G>A on the coding strand, the complement: ELAC2 is on the minus strand). VCF-style: chr17-12994412-C-T. GRCh37 (hg19) VCF-style: chr17-12897729-C-T.
Other names: c.1988+13G>A (NM_001165962.2); c.2105+13G>A (NM_173717.2).
Identifiers: ClinVar variation 513599 (VCV000513599.4), dbSNP rs190562664, ClinGen allele CA8400937.